The following is an entry in ClinVar:

ClinVar aggregate classification (germline): Uncertain significance (1 of 4 stars; one submission).

Allele frequency attached by ClinVar (database versions not stated): gnomAD 0.00001.

Submission:

Labcorp Genetics (formerly Invitae), Labcorp
Classification: Uncertain significance. Last evaluated: 2024-01-04. Review status: criteria provided, single submitter. Criteria: Invitae Variant Classification Sherloc (09022015). Collection method: clinical testing. Allele origin: germline.
Comment: This sequence change replaces arginine, which is basic and polar, with glycine, which is neutral and non-polar, at codon 831 of the DRP2 protein (p.Arg831Gly). This variant is present in population databases (no rsID available, gnomAD 0.008%). This variant has not been reported in the literature in individuals affected with DRP2-related conditions. Advanced modeling of protein sequence and biophysical properties (such as structural, functional, and spatial information, amino acid conservation, physicochemical variation, residue mobility, and thermodynamic stability) performed at Invitae indicates that this missense variant is not expected to disrupt DRP2 protein function with a negative predictive value of 80%. In summary, the available evidence is currently insufficient to determine the role of this variant in disease. Therefore, it has been classified as a Variant of Uncertain Significance.

NM_001939.3(DRP2):c.2491C>G (p.Arg831Gly)

Gene: DRP2 (dystrophin related protein 2; plus strand). Cytogenetic location: Xq22.1.
Variant type: single nucleotide variant.
Coding change: c.2491C>G on transcript NM_001939.3 (MANE Select); coding-DNA position 2491, C replaced by G.
Protein change: p.Arg831Gly; replaces arginine 831 with glycine.
Molecular consequence: missense variant.
Genome position (GRCh38, 1-based): chrX:101,258,409, C>G. VCF-style: chrX-101258409-C-G. GRCh37 (hg19) VCF-style: chrX-100513398-C-G.
Other names: c.2257C>G, p.Arg753Gly (NM_001171184.2); short protein forms R753G, R831G.
Identifiers: ClinVar variation 2788176 (VCV002788176.3), dbSNP rs1333006621, ClinGen allele CA413909794.
Genomic context (GRCh38, chrX:101,258,409, plus strand): 5'-GAGGAGGCAGCTGAGGCACCCAGTCTGGCTGACGGCTCCACTGAGGCAGCAACAGACCAC[C>G]GCAATGAGGAGCTTCTGGCCGAGGCCCGTATCCTTCGGCAACATAAGAGCCGCCTGGAGA-3'
Protein context (NP_001930.2, residues 821-841): DGSTEAATDH[Arg831Gly]NEELLAEARI